The following is an entry in ClinVar:

ClinVar aggregate classification (germline): Uncertain significance (1 of 4 stars; one submission).

Conditions:
Hereditary cancer-predisposing syndrome. Also called: Hereditary neoplastic syndrome; Hereditary Cancer Syndrome; Neoplastic Syndromes, Hereditary; Tumor predisposition. Identifiers: Orphanet 140162, MedGen C0027672, MeSH D009386, MONDO:0015356.

Submission:

Color Diagnostics, LLC DBA Color Health
Classification: Uncertain significance for Hereditary cancer-predisposing syndrome. Last evaluated: 2022-09-27. Review status: criteria provided, single submitter. Criteria: ACMG Guidelines, 2015. Collection method: clinical testing. Allele origin: germline.
Comment: This variant causes a C to A nucleotide substitution at the -12 position of intron 6 of the PALB2 gene. Splice prediction tools suggest that this variant may disrupt RNA splicing. To our knowledge, functional studies have not been reported for this variant nor has this variant been reported in individuals affected with hereditary cancer in the literature. This variant has not been identified in the general population by the Genome Aggregation Database (gnomAD). The available evidence is insufficient to determine the role of this variant in disease conclusively. Therefore, this variant is classified as a Variant of Uncertain Significance.

NM_024675.4(PALB2):c.2587-12C>A

Gene: PALB2 (partner and localizer of BRCA2; minus strand). Cytogenetic location: 16p12.2.
Variant type: single nucleotide variant.
Coding change: c.2587-12C>A on transcript NM_024675.4 (MANE Select); 12 bases into the intron before coding-DNA position 2587, C replaced by A.
Molecular consequence: intron variant.
Genome position (GRCh38, 1-based): chr16:23,626,409, G>T on the plus strand (C>A on the coding strand, the complement: PALB2 is on the minus strand). VCF-style: chr16-23626409-G-T. GRCh37 (hg19) VCF-style: chr16-23637730-G-T.
Other names: c.799-12C>A (NM_001407313.1, NM_001407312.1); c.2527-12C>A (NM_001407296.1); c.2515-12C>A (NM_001407297.1); c.1702-12C>A (NM_001407308.1, NM_001407306.1, NM_001407309.1 and 4 more transcripts); c.121-12C>A (NM_001407314.1); c.2587-2315C>A (NM_001407302.1, NM_001407298.1); c.2587-12C>A (NM_001407300.1, NM_001407299.1, NM_001407301.1); c.1702-2315C>A (NM_001407307.1).
Identifiers: ClinVar variation 2774001 (VCV002774001.2), dbSNP rs1266683395, ClinGen allele CA719180710.